The following is an entry in ClinVar:

ClinVar aggregate classification (germline): Likely benign. Review status: criteria provided, multiple submitters, no conflicts (2 of 4 stars). 3 submissions from 3 submitters: Likely benign (3). Last evaluated 2025-09-15.

Allele frequency attached by ClinVar (database versions not stated): gnomAD 0.00011 and 0.00013; TOPMed 0.00016; gnomAD exomes 0.00017 and 0.00024; ExAC 0.00015; ESP Exome Variant Server 0.00015.
gnomAD v4.1: 369 of 1,614,080 alleles (0.023%); highest among the groups gnomAD compares: Admixed American, 0.047%; no homozygotes.

Submissions (3):

Labcorp Genetics (formerly Invitae), Labcorp
Classification: Likely benign. Last evaluated: 2025-09-15. Review status: criteria provided, single submitter. Criteria: Invitae Variant Classification Sherloc (09022015). Collection method: clinical testing. Allele origin: germline.

Blueprint Genetics
Classification: Likely benign. Last evaluated: 2024-11-25. Review status: criteria provided, single submitter. Criteria: ACMG Guidelines, 2015. Collection method: clinical testing. Allele origin: germline.

Laboratory for Molecular Medicine, Mass General Brigham Personalized Medicine
Classification: Likely benign. Last evaluated: 2012-04-30. Review status: criteria provided, single submitter. Criteria: LMM Criteria. Collection method: clinical testing. Allele origin: germline. Observed: 1 variant allele.
Comment: Pro475Pro in Exon 07 of TECTA: This variant is not expected to have clinical sig nificance because it does not alter an amino acid residue, is not located within the splice consensus sequence, and has been identified in 2/7020 European Ameri can chromosomes from a broad population by the NHLBI Exome Sequencing Project (dbSNP rs149533095).

NM_005422.4(TECTA):c.1425G>A (p.Pro475=)

Genes: TBCEL-TECTA (TBCEL-TECTA readthrough; plus strand), TECTA (tectorin alpha; plus strand). Cytogenetic location: 11q23.3.
Variant type: single nucleotide variant.
Coding change: c.1425G>A on transcript NM_005422.4 (MANE Select); coding-DNA position 1425, G replaced by A.
Protein change: p.Pro475=; no amino-acid change (proline 475 retained).
Molecular consequence: synonymous variant.
Genome position (GRCh38, 1-based): chr11:121,125,523, G>A. VCF-style: chr11-121125523-G-A. GRCh37 (hg19) VCF-style: chr11-120996232-G-A.
Other names: c.2382G>A, p.Pro794= (NM_001378761.1).
Identifiers: ClinVar variation 667168 (VCV000667168.13), dbSNP rs149533095, ClinGen allele CA6326745.